The following is an entry in ClinVar:

ClinVar aggregate classification (germline): Uncertain significance. Review status: criteria provided, multiple submitters, no conflicts (2 of 4 stars). 5 submissions from 5 submitters: Uncertain significance (5). Last evaluated 2025-11-10.

Conditions:
Tuberous sclerosis 2 (TSC2). Identifiers: Orphanet 805, MedGen C1860707, MONDO:0013199, OMIM 613254.
Tuberous sclerosis syndrome (TSC). Also called: Tuberous Sclerosis Complex; Tuberous sclerosis. Identifiers: Orphanet 805, MedGen C0041341, MONDO:0001734.
TSC2-related disorder. Also called: TSC2-Related Disorders; TSC2-related condition.
Hereditary cancer-predisposing syndrome. Also called: Hereditary neoplastic syndrome; Neoplastic Syndromes, Hereditary; Tumor predisposition; Hereditary Cancer Syndrome. Identifiers: Orphanet 140162, MedGen C0027672, MeSH D009386, MONDO:0015356.

Submissions (5):

Color Diagnostics, LLC DBA Color Health
Classification: Uncertain significance for Tuberous sclerosis syndrome. Last evaluated: 2025-11-10. Review status: criteria provided, single submitter. Criteria: ACMG Guidelines, 2015. Collection method: clinical testing. Allele origin: germline.
Comment: This variant causes the deletion of 27 base pairs in the splice donor region of intron 41 of the TSC2 gene. Splice prediction tools suggest that this variant may disrupt RNA splicing by abolishing the canonical donor site, however the deletion places a cryptic donor site and may restore normal splice functionality. To our knowledge, RNA studies have not been reported for this variant. This variant has not been reported in individuals affected with TSC2-related disorders in the literature. This variant has been identified in 5/1612772 chromosomes in the general population by the Genome Aggregation Database (gnomAD). The available evidence is insufficient to determine the role of this variant in disease conclusively. Therefore, this variant is classified as a Variant of Uncertain Significance.

Quest Diagnostics Nichols Institute San Juan Capistrano
Classification: Uncertain significance. Last evaluated: 2025-03-31. Review status: criteria provided, single submitter. Criteria: Quest Diagnostics criteria. Collection method: clinical testing. Allele origin: unknown.

Labcorp Genetics (formerly Invitae), Labcorp
Classification: Uncertain significance for Tuberous sclerosis 2. Last evaluated: 2025-02-19. Review status: criteria provided, single submitter. Criteria: Invitae Variant Classification Sherloc (09022015). Collection method: clinical testing. Allele origin: germline.
Comment: This sequence change affects a splice site in intron 41 of the TSC2 gene. RNA analysis indicates that disruption of this splice site induces altered splicing and likely results in the gain of 31 amino acid residue(s), but is expected to preserve the integrity of the reading-frame. This variant is present in population databases (rs759520580, gnomAD 0.003%). This variant has not been reported in the literature in individuals affected with TSC2-related conditions. ClinVar contains an entry for this variant (Variation ID: 1042489). Variants that disrupt the consensus splice site are a relatively common cause of aberrant splicing (PMID: 17576681, 9536098). Studies have shown that disruption of this splice site results in the retention of intron 41 (internal data). In summary, the available evidence is currently insufficient to determine the role of this variant in disease. Therefore, it has been classified as a Variant of Uncertain Significance.

Ambry Genetics
Classification: Uncertain significance for Hereditary cancer-predisposing syndrome. Last evaluated: 2024-05-08. Review status: criteria provided, single submitter. Criteria: Ambry Variant Classification Scheme 2023. Collection method: clinical testing. Allele origin: germline.
Comment: The c.5259+2_5259+28del27 variant results from a deletion of 27 nucleotides between positions 5259+2 and 5259+28 and involves the canonical splice donor site after coding exon 40 of the TSC2 gene. The canonical splice donor site is highly conserved in available vertebrate species. In silico splice site analysis predicts that this alteration will weaken the native splice donor site; however, the exact impact of this deletion on TSC2 splicing and function is currently unknown. Alterations that disrupt the canonical splice site are expected to cause aberrant splicing; however, this alteration occurs at the 3' terminus of TSC2 and is not expected to trigger nonsense-mediated mRNA decay. Based on the available evidence, the clinical significance of this variant remains unclear.

PreventionGenetics, part of Exact Sciences
Classification: Uncertain significance for TSC2-related condition. Last evaluated: 2023-09-28. Review status: criteria provided, single submitter. Criteria: ACMG Guidelines, 2015. Collection method: clinical testing. Allele origin: germline.
Comment: The TSC2 c.5259+2_5259+28del27 variant is predicted to result in an in-frame deletion (p.Gln1752_Ile1754del). To our knowledge, this variant has not been reported in the literature. This deletion leads to the creation of an alternate GT site one nucleotide downstream from the original canonical GT donor (GT>GGT) in intron 41. This variant is reported in 3 of ~250,000 alleles in gnomAD. It is interpreted as uncertain significance in ClinVar. Although this deletion impacts a canonical GT donor site, it occurs in the final intron of this gene, and it is unclear if the resulting mRNA would undergo nonsense-mediated decay. At this time, the clinical significance of this variant is uncertain due to the absence of conclusive functional and genetic evidence.

Literature cited by the submitters: PubMed 17576681 (cited by Labcorp Genetics (formerly Invitae), Labcorp); PubMed 9536098 (cited by Labcorp Genetics (formerly Invitae), Labcorp).

NM_000548.5(TSC2):c.5259+2_5259+28del

Gene: TSC2 (TSC complex subunit 2; plus strand). Cytogenetic location: 16p13.3.
Variant type: Deletion.
Coding change: c.5259+2_5259+28del on transcript NM_000548.5 (MANE Select); the canonical splice donor site of the intron after coding-DNA position 5259 through 28 bases into the intron after coding-DNA position 5259, 27 bases deleted (TAGGGAATATGGGGCTCCCTCAGCGGG).
Molecular consequence: splice donor variant.
Genome position (GRCh38, 1-based): chr16:2,088,327-2,088,353, TAGGGAATATGGGGCTCCCTCAGCGGG deleted; deleting any 27 consecutive bases within chr16:2,088,320-2,088,353 gives the same sequence; the c. name uses the placement nearest the transcript's 3' end. VCF-style (leftmost placement, unchanged base first): chr16-2088319-CCAGCGGGTAGGGAATATGGGGCTCCCT-C. GRCh37 (hg19) VCF-style: chr16-2138320-CCAGCGGGTAGGGAATATGGGGCTCCCT-C.
Other names: c.5259+2_5259+28del27 (NM_000548.4); c.5259+2_5259+28del (NM_000548.3); c.5190+2_5190+28del (NM_001114382.3); c.5130+2_5130+28del (NM_021055.3); c.5118+2_5118+28del (NM_001370405.1); c.5061+2_5061+28del (NM_001363528.2); c.5127+2_5127+28del (NM_001370404.1); c.5058+2_5058+28del (NM_001077183.3); and 4 more.
Identifiers: ClinVar variation 1042489 (VCV001042489.11), dbSNP rs759520580, ClinGen allele CA7828398.
Genomic context (GRCh38, chr16:2,088,319, plus strand): 5'-CCCCACCGATATCTACCCCTCCAAGTGGATTGCCCGGCTCCGCCACATCAAGCGGCTCCG[CCAGCGGGTAGGGAATATGGGGCTCCCT>C]CAGCGGGGTGTGCTGGCTGCCCAAGCTGTGGGGCGGGTGTGTGGGCAGAGCGGTTGCCAC-3'